The following is an entry in ClinVar:

NM_032447.5(FBN3):c.1466-6C>T

Gene: FBN3 (fibrillin 3; minus strand). Cytogenetic location: 19p13.2.
Variant type: single nucleotide variant.
Coding change: c.1466-6C>T on transcript NM_032447.5 (MANE Select); 6 bases into the intron before coding-DNA position 1466, C replaced by T.
Molecular consequence: intron variant.
Genome position (GRCh38, 1-based): chr19:8,136,092, G>A on the plus strand (C>T on the coding strand, the complement: FBN3 is on the minus strand). VCF-style: chr19-8136092-G-A. GRCh37 (hg19) VCF-style: chr19-8200976-G-A.
Other names: c.1466-6C>T (NM_001321431.2, NM_001321431.1).
Identifiers: ClinVar variation 723191 (VCV000723191.34), dbSNP rs151062338, ClinGen allele CA9153296.

ClinVar aggregate classification (germline): Benign/Likely benign. Review status: criteria provided, multiple submitters, no conflicts (2 of 4 stars). 4 submissions from 4 submitters: Benign (2); Likely benign (1). 1 of the submissions does not count toward it. Last evaluated 2026-01-26.

Conditions:
FBN3-related disorder. Also called: FBN3-related condition.

Allele frequency attached by ClinVar (database versions not stated): 1000 Genomes Project 30x 0.00172; 1000 Genomes Project 0.00200; TOPMed 0.00480; ESP Exome Variant Server 0.00500; gnomAD 0.00535 and 0.00549; gnomAD exomes 0.00543 and 0.00580; ExAC 0.00546.
gnomAD v4.1: 8,828 of 1,613,804 alleles (0.55%); highest among the groups gnomAD compares: Middle Eastern, 2.3%; 51 homozygotes.

Submissions (4):

Labcorp Genetics (formerly Invitae), Labcorp
Classification: Benign. Last evaluated: 2026-01-26. Review status: criteria provided, single submitter. Criteria: Invitae Variant Classification Sherloc (09022015). Collection method: clinical testing. Allele origin: germline.

CeGaT Center for Human Genetics Tuebingen
Classification: Likely benign. Last evaluated: 2023-02-01. Review status: criteria provided, single submitter. Criteria: CeGaT Center For Human Genetics Tuebingen Variant Classification Criteria Version 2. Collection method: clinical testing. Allele origin: germline. Affected: yes. Observed: 2 variant alleles.
Comment: FBN3: BP4, BS2

Breakthrough Genomics
Classification: Benign. Review status: criteria provided, single submitter. Criteria: ACMG Guidelines, 2015. Collection method: not provided. Allele origin: germline. Inheritance: Unknown mechanism. Affected: yes.

PreventionGenetics, part of Exact Sciences
Classification: Benign for FBN3-related condition. Last evaluated: 2019-04-12. Review status: no assertion criteria provided. Collection method: clinical testing. Allele origin: germline. Not counted in ClinVar's aggregate classification.
Comment: This variant is classified as benign based on ACMG/AMP sequence variant interpretation guidelines (Richards et al. 2015 PMID: 25741868, with internal and published modifications).